The following is an entry in ClinVar:

ClinVar aggregate classification (germline): Uncertain significance. Review status: criteria provided, multiple submitters, no conflicts (2 of 4 stars). 5 submissions from 5 submitters: Uncertain significance (5). Last evaluated 2025-04-22.

Conditions:
RECQL4-related disorder. Also called: RECQL4-related disorders; RECQL4-related condition.
Inborn genetic diseases. Identifiers: MedGen C0950123, MeSH D030342.
Hereditary cancer-predisposing syndrome. Also called: Neoplastic Syndromes, Hereditary; Tumor predisposition; Hereditary Cancer Syndrome; Hereditary neoplastic syndrome. Identifiers: Orphanet 140162, MedGen C0027672, MeSH D009386, MONDO:0015356.
Baller-Gerold syndrome (BGS). Also called: CRANIOSYNOSTOSIS WITH RADIAL DEFECTS. Identifiers: Orphanet 1225, MedGen C0265308, MONDO:0009039, OMIM 218600.

Allele frequency attached by ClinVar (database versions not stated): gnomAD exomes 0.00001 and 0.00002; gnomAD 0.00022 and 0.00024; 1000 Genomes Project 30x 0.00031; TOPMed 0.00042.

Submissions (5):

PreventionGenetics, part of Exact Sciences
Classification: Uncertain significance for RECQL4-related condition. Last evaluated: 2025-04-22. Review status: criteria provided, single submitter. Criteria: ACMG Guidelines, 2015. Collection method: clinical testing. Allele origin: germline.
Comment: The RECQL4 c.2149G>A variant is predicted to result in the amino acid substitution p.Ala717Thr. To our knowledge, this variant has not been reported in the literature. This variant is present in 4 alleles out of 225,200 alleles in the gnomAD database. At this time, the clinical significance of this variant is uncertain due to the absence of conclusive functional and genetic evidence.

Labcorp Genetics (formerly Invitae), Labcorp
Classification: Uncertain significance for Baller-Gerold syndrome. Last evaluated: 2023-11-17. Review status: criteria provided, single submitter. Criteria: Invitae Variant Classification Sherloc (09022015). Collection method: clinical testing. Allele origin: germline.
Comment: This sequence change replaces alanine, which is neutral and non-polar, with threonine, which is neutral and polar, at codon 717 of the RECQL4 protein (p.Ala717Thr). This variant is present in population databases (no rsID available, gnomAD 0.003%). This variant has not been reported in the literature in individuals affected with RECQL4-related conditions. ClinVar contains an entry for this variant (Variation ID: 407039). Advanced modeling of protein sequence and biophysical properties (such as structural, functional, and spatial information, amino acid conservation, physicochemical variation, residue mobility, and thermodynamic stability) has been performed at Invitae for this missense variant, however the output from this modeling did not meet the statistical confidence thresholds required to predict the impact of this variant on RECQL4 protein function. In summary, the available evidence is currently insufficient to determine the role of this variant in disease. Therefore, it has been classified as a Variant of Uncertain Significance.

Sema4
Classification: Uncertain significance for Hereditary cancer-predisposing syndrome. Last evaluated: 2021-11-08. Review status: criteria provided, single submitter. Criteria: Sema4 Curation Guidelines. Collection method: curation. Allele origin: germline.
Comment: The RECQL4 c.2149G>A (p.A717T) variant has not been reported in the literature to our knowledge. It was observed in 4/225200 chromosomes in the large and broad cohorts of the Genome Aggregation Database (PMID: 32461654). The variant has been reported in ClinVar (Variation ID 407039). Functional studies have not been performed, and in silico predictions of the variant's effect on protein function are inconclusive. The evidence is insufficient to meet ACMG/AMP criteria for classifying the variant as benign or pathogenic. Thus, the clinical significance of this variant is currently uncertain.

Ambry Genetics
Classification: Uncertain significance for Inborn genetic diseases. Last evaluated: 2021-06-18. Review status: criteria provided, single submitter. Criteria: Ambry Variant Classification Scheme 2023. Collection method: clinical testing. Allele origin: germline.

GeneDx
Classification: Uncertain significance. Last evaluated: 2019-05-24. Review status: criteria provided, single submitter. Criteria: GeneDx Variant Classification Process June 2021. Collection method: clinical testing. Allele origin: germline. Affected: yes.
Comment: In silico analysis, which includes protein predictors and evolutionary conservation, supports a deleterious effect; Has not been previously published as pathogenic or benign to our knowledge

NM_004260.4(RECQL4):c.2149G>A (p.Ala717Thr)

Gene: RECQL4 (RecQ like helicase 4; minus strand). Cytogenetic location: 8q24.3.
Variant type: single nucleotide variant.
Coding change: c.2149G>A on transcript NM_004260.4 (MANE Select); coding-DNA position 2149, G replaced by A.
Protein change: p.Ala717Thr; replaces alanine 717 with threonine.
Molecular consequence: missense variant.
Genome position (GRCh38, 1-based): chr8:144,513,622, C>T on the plus strand (G>A on the coding strand, the complement: RECQL4 is on the minus strand). VCF-style: chr8-144513622-C-T. GRCh37 (hg19) VCF-style: chr8-145739006-C-T.
Other names: short protein forms A717T.
Identifiers: ClinVar variation 407039 (VCV000407039.14), dbSNP rs970075256, ClinGen allele CA16612254.